The following is an entry in ClinVar:

ClinVar aggregate classification (germline): Pathogenic. Review status: criteria provided, multiple submitters, no conflicts (2 of 4 stars). 4 submissions from 4 submitters: Pathogenic (2). 2 of the submissions do not count toward it. Last evaluated 2023-10-11.

Conditions:
Charcot-Marie-Tooth disease. Also called: Charcot-Marie-Tooth Neuropathy; Charcot-Marie-Tooth Hereditary Neuropathy. Identifiers: Orphanet 166, MedGen C0007959, MONDO:0015626.
Charcot-Marie-Tooth disease, type I (CMT1). Also called: Charcot-Marie-Tooth, Type 1; Charcot-Marie-Tooth disease type 1. Identifiers: Orphanet 65753, MedGen C0751036, MONDO:0019011.
Charcot-Marie-Tooth disease type 1B. Also called: CHARCOT-MARIE-TOOTH DISEASE, AUTOSOMAL DOMINANT, WITH FOCALLY FOLDED MYELIN SHEATHS, TYPE 1B; CHARCOT-MARIE-TOOTH DISEASE, SLOW NERVE CONDUCTION TYPE, LINKED TO DUFFY; CHARCOT-MARIE-TOOTH NEUROPATHY, TYPE 1B; HEREDITARY MOTOR AND SENSORY NEUROPATHY I; HEREDITARY MOTOR AND SENSORY NEUROPATHY IB; PERONEAL MUSCULAR ATROPHY. Identifiers: Orphanet 101082, MedGen C0270912, MONDO:0007307, OMIM 118200.

Submissions (4):

Labcorp Genetics (formerly Invitae), Labcorp
Classification: Pathogenic for Charcot-Marie-Tooth disease, type I. Last evaluated: 2023-10-11. Review status: criteria provided, single submitter. Criteria: Invitae Variant Classification Sherloc (09022015). Collection method: clinical testing. Allele origin: germline.
Comment: This variant, c.188_190del, results in the deletion of 1 amino acid(s) of the MPZ protein (p.Ser63del), but otherwise preserves the integrity of the reading frame. This variant is not present in population databases (gnomAD no frequency). This variant has been observed in individuals with Charcot-Marie-Tooth type 1B (CMT1B) (PMID: 7693130, 12402337, 22734905). It has also been observed to segregate with disease in related individuals. This variant is also known as Serine 34 del. ClinVar contains an entry for this variant (Variation ID: 246121). Algorithms developed to predict the effect of variants on protein structure and function are not available or were not evaluated for this variant. Experimental studies have shown that this variant affects MPZ function (PMID: 16495463, 18255032). For these reasons, this variant has been classified as Pathogenic.

GeneDx
Classification: Pathogenic. Last evaluated: 2021-10-28. Review status: criteria provided, single submitter. Criteria: GeneDx Variant Classification Process June 2021. Collection method: clinical testing. Allele origin: germline. Affected: yes.
Comment: Published functional studies demonstrate that in mice, S63del results in unfolded protein response including expression of CHOP and demyelinating neuropathy that mimics the corresponding human disease (Wrabetz et al., 2006, Pennuto et al., 2008); Not observed at significant frequency in large population cohorts (Lek et al., 2016); In-frame deletion of 1 amino acid in a non-repeat region; This variant is associated with the following publications: (PMID: 16495463, 23344956, 22734905, 29687021, 20461396, 26310628, 33879538, 34573256, 32973043, 7693130, 18255032)

OMIM
Classification: Pathogenic for CHARCOT-MARIE-TOOTH DISEASE, TYPE 1B. Last evaluated: 1993-09-01. Review status: no assertion criteria provided. Collection method: literature only. Allele origin: germline. Not counted in ClinVar's aggregate classification.

Inherited Neuropathy Consortium
Classification: Uncertain significance for Charcot-Marie-Tooth disease. Review status: no assertion criteria provided. Collection method: literature only. Allele origin: germline. Affected: yes. Not counted in ClinVar's aggregate classification.

Literature cited by the submitters: PubMed 7693130 (cited by 3 submitters); PubMed 12402337 (cited by Labcorp Genetics (formerly Invitae), Labcorp); PubMed 22734905 (cited by Labcorp Genetics (formerly Invitae), Labcorp); PubMed 16495463 (cited by Labcorp Genetics (formerly Invitae), Labcorp); PubMed 18255032 (cited by Labcorp Genetics (formerly Invitae), Labcorp).

NM_000530.8(MPZ):c.188_190del (p.Ser63del)

Gene: MPZ (myelin protein zero; minus strand). Cytogenetic location: 1q23.3.
Variant type: Deletion.
Coding change: c.188_190del on transcript NM_000530.8 (MANE Select); coding-DNA positions 188 to 190, 3 bases deleted (CCT; older notation c.188_190delCCT).
Protein change: p.Ser63del; deletes serine 63.
Molecular consequence: inframe deletion.
Genome position (GRCh38, 1-based): chr1:161,307,302-161,307,304, AGG deleted on the plus strand (CCT on the coding strand, the reverse complement: MPZ is on the minus strand); deleting any 3 consecutive bases within chr1:161,307,302-161,307,306 gives the same sequence; the c. name uses the placement nearest the transcript's 3' end. VCF-style (leftmost placement, unchanged base first): chr1-161307301-AAGG-A. GRCh37 (hg19) VCF-style: chr1-161277091-AAGG-A.
Other names: MPZ, 3-BP DEL, SER34DEL; S34del; c.188_190del, p.Ser63del (NM_001315491.2); c.188_190del (LRG_256t1, NM_000530.6); short protein forms S63del.
Identifiers: ClinVar variation 246121 (VCV000246121.12), dbSNP rs879254109, ClinGen allele CA10584145.
Genomic context (GRCh38, chr1:161,307,301, plus strand): 5'-TTCCCCCAGGCACTCACCGAAATGGCATCTCTGCCCCCTTCGGGCTGGTAGCGCCAGGTG[AAGG>A]AGATGTCATCTGAGACCCACTCACTGGACCAGAAGGAGCAGTGCAGGGTCACCCGGGAGC-3'